The following is an entry in ClinVar:

NM_004655.4(AXIN2):c.1475C>G (p.Ala492Gly)

Gene: AXIN2 (axin 2; minus strand). Cytogenetic location: 17q24.1.
Variant type: single nucleotide variant.
Coding change: c.1475C>G on transcript NM_004655.4 (MANE Select); coding-DNA position 1475, C replaced by G.
Protein change: p.Ala492Gly; replaces alanine 492 with glycine.
Molecular consequence: missense variant.
Genome position (GRCh38, 1-based): chr17:65,537,561, G>C on the plus strand (C>G on the coding strand, the complement: AXIN2 is on the minus strand). VCF-style: chr17-65537561-G-C. GRCh37 (hg19) VCF-style: chr17-63533679-G-C.
Other names: c.1475C>G, p.Ala492Gly (NM_001363813.1); short protein forms A492G.
Identifiers: ClinVar variation 2818673 (VCV002818673.4), dbSNP rs1567755922, ClinGen allele CA400677427.

ClinVar aggregate classification (germline): Uncertain significance. Review status: criteria provided, multiple submitters, no conflicts (2 of 4 stars). 2 submissions from 2 submitters: Uncertain significance (2). Last evaluated 2026-08-22.

Conditions:
Oligodontia-cancer predisposition syndrome. Also called: TOOTH AGENESIS-COLORECTAL CANCER SYNDROME. Identifiers: Orphanet 300576, MedGen C1837750, MONDO:0012075, OMIM 608615. Disease mechanism: loss of function.
Hereditary cancer-predisposing syndrome. Also called: Hereditary Cancer Syndrome; Hereditary neoplastic syndrome; Neoplastic Syndromes, Hereditary; Tumor predisposition. Identifiers: Orphanet 140162, MedGen C0027672, MeSH D009386, MONDO:0015356.

Submissions (2):

Ambry Genetics
Classification: Uncertain significance for Hereditary cancer-predisposing syndrome. Last evaluated: 2026-08-22. Review status: criteria provided, single submitter. Criteria: Ambry Variant Classification Scheme 2023. Collection method: clinical testing. Allele origin: germline.
Comment: The p.A492G variant (also known as c.1475C>G), located in coding exon 5 of the AXIN2 gene, results from a C to G substitution at nucleotide position 1475. The alanine at codon 492 is replaced by glycine, an amino acid with similar properties. This amino acid position is conserved. In addition, this alteration is predicted to be tolerated by in silico analysis. Based on the available evidence, the clinical significance of this variant remains unclear.

Labcorp Genetics (formerly Invitae), Labcorp
Classification: Uncertain significance for Oligodontia-cancer predisposition syndrome. Last evaluated: 2022-12-04. Review status: criteria provided, single submitter. Criteria: Invitae Variant Classification Sherloc (09022015). Collection method: clinical testing. Allele origin: germline.
Comment: This sequence change replaces alanine, which is neutral and non-polar, with glycine, which is neutral and non-polar, at codon 492 of the AXIN2 protein (p.Ala492Gly). This variant is not present in population databases (gnomAD no frequency). This variant has not been reported in the literature in individuals affected with AXIN2-related conditions. Algorithms developed to predict the effect of missense changes on protein structure and function (SIFT, PolyPhen-2, Align-GVGD) all suggest that this variant is likely to be tolerated. In summary, the available evidence is currently insufficient to determine the role of this variant in disease. Therefore, it has been classified as a Variant of Uncertain Significance.